The following is an entry in ClinVar:

ClinVar aggregate classification (germline): Pathogenic/Likely pathogenic. Review status: criteria provided, multiple submitters, no conflicts (2 of 4 stars). 5 submissions from 5 submitters: Pathogenic (4); Likely pathogenic (1). Last evaluated 2025-02-04.

Conditions:
Hereditary cancer-predisposing syndrome. Also called: Tumor predisposition; Neoplastic Syndromes, Hereditary; Hereditary Cancer Syndrome; Hereditary neoplastic syndrome. Identifiers: Orphanet 140162, MedGen C0027672, MeSH D009386, MONDO:0015356.
Familial cancer of breast. Also called: Hereditary breast cancer; BREAST CANCER, FAMILIAL; hereditary breast carcinoma. Identifiers: Orphanet 227535, MedGen C0346153, MONDO:0016419, OMIM 114480. Disease mechanism: loss of function.

Submissions (5):

Department of Clinical Genetics, Copenhagen University Hospital, Rigshospitalet
Classification: Pathogenic for Hereditary cancer-predisposing syndrome. Last evaluated: 2025-02-04. Review status: criteria provided, single submitter. Criteria: ACMG Guidelines, 2015. Collection method: clinical testing. Allele origin: germline.
Comment: PVS1; PM2_SUP, PM5_SUP

Labcorp Genetics (formerly Invitae), Labcorp
Classification: Pathogenic for Familial cancer of breast. Last evaluated: 2024-06-07. Review status: criteria provided, single submitter. Criteria: Invitae Variant Classification Sherloc (09022015). Collection method: clinical testing. Allele origin: germline.
Comment: This sequence change creates a premature translational stop signal (p.Thr513Lysfs*48) in the PALB2 gene. It is expected to result in an absent or disrupted protein product. Loss-of-function variants in PALB2 are known to be pathogenic (PMID: 17200668, 17200671, 17200672, 24136930, 25099575). This variant is not present in population databases (gnomAD no frequency). This variant has not been reported in the literature in individuals affected with PALB2-related conditions. ClinVar contains an entry for this variant (Variation ID: 245655). For these reasons, this variant has been classified as Pathogenic.

Ambry Genetics
Classification: Pathogenic for Hereditary cancer-predisposing syndrome. Last evaluated: 2024-04-15. Review status: criteria provided, single submitter. Criteria: Ambry Variant Classification Scheme 2023. Collection method: clinical testing. Allele origin: germline.
Comment: The c.1538delC pathogenic mutation, located in coding exon 4 of the PALB2 gene, results from a deletion of one nucleotide at nucleotide position 1538, causing a translational frameshift with a predicted alternate stop codon (p.T513Kfs*48). This variant is considered to be rare based on population cohorts in the Genome Aggregation Database (gnomAD). This alteration is expected to result in loss of function by premature protein truncation or nonsense-mediated mRNA decay. As such, this alteration is interpreted as a disease-causing mutation.

Myriad Genetics, Inc.
Classification: Pathogenic for Familial cancer of breast. Last evaluated: 2023-09-08. Review status: criteria provided, single submitter. Criteria: Myriad Autosomal Dominant, Autosomal Recessive and X-Linked Classification Criteria (2023). Collection method: clinical testing. Allele origin: unknown.
Comment: This variant is considered pathogenic. This variant creates a frameshift predicted to result in premature protein truncation.

GeneDx
Classification: Likely pathogenic. Last evaluated: 2015-12-17. Review status: criteria provided, single submitter. Criteria: GeneDx Variant Classification (06012015). Collection method: clinical testing. Allele origin: germline. Affected: yes.
Comment: This deletion of one nucleotide in PALB2 is denoted c.1538delC at the cDNA level and p.Thr513LysfsX48 (T513KfsX48) at the protein level. The normal sequence, with the base that is deleted in brackets, is TACA[C]AGGA. The deletion causes a frameshift, which changes a Threonine to a Lysine at codon 513, and creates a premature stop codon at position 48 of the new reading frame. Although this variant has not, to our knowledge, been reported in the literature, it is predicted to cause loss of normal protein function through either protein truncation or nonsense-mediated mRNA decay. We consider it to be a likely pathogenic variant.

Literature cited by the submitters: PubMed 17200668 (cited by Labcorp Genetics (formerly Invitae), Labcorp); PubMed 17200671 (cited by Labcorp Genetics (formerly Invitae), Labcorp); PubMed 17200672 (cited by Labcorp Genetics (formerly Invitae), Labcorp); PubMed 24136930 (cited by Labcorp Genetics (formerly Invitae), Labcorp); PubMed 25099575 (cited by Labcorp Genetics (formerly Invitae), Labcorp).

NM_024675.4(PALB2):c.1538del (p.Thr513fs)

Gene: PALB2 (partner and localizer of BRCA2; minus strand). Cytogenetic location: 16p12.2.
Variant type: Deletion.
Coding change: c.1538del on transcript NM_024675.4 (MANE Select); coding-DNA position 1538, one base deleted (C; older notation c.1538delC).
Protein change: p.Thr513fs; shifts the reading frame from threonine 513.
Molecular consequence: frameshift variant.
Genome position (GRCh38, 1-based): chr16:23,635,008, G deleted on the plus strand (C on the coding strand, the reverse complement: PALB2 is on the minus strand). VCF-style (leftmost placement, unchanged base first): chr16-23635007-TG-T. GRCh37 (hg19) VCF-style: chr16-23646328-TG-T.
Other names: c.1538delC (NM_024675.3); short protein forms T513fs.
Identifiers: ClinVar variation 245655 (VCV000245655.11), dbSNP rs879253892, ClinGen allele CA10584518.